The following is an entry in ClinVar:

ClinVar aggregate classification (germline): Uncertain significance (1 of 4 stars; one submission).

Submission:

Labcorp Genetics (formerly Invitae), Labcorp
Classification: Uncertain significance. Last evaluated: 2025-06-30. Review status: criteria provided, single submitter. Criteria: Invitae Variant Classification Sherloc (09022015). Collection method: clinical testing. Allele origin: germline.
Comment: This sequence change replaces glutamine, which is neutral and polar, with proline, which is neutral and non-polar, at codon 363 of the TBX20 protein (p.Gln363Pro). This variant is not present in population databases (gnomAD no frequency). This variant has not been reported in the literature in individuals affected with TBX20-related conditions. ClinVar contains an entry for this variant (Variation ID: 2883321). Invitae Evidence Modeling of protein sequence and biophysical properties (such as structural, functional, and spatial information, amino acid conservation, physicochemical variation, residue mobility, and thermodynamic stability) indicates that this missense variant is not expected to disrupt TBX20 protein function with a negative predictive value of 80%. In summary, the available evidence is currently insufficient to determine the role of this variant in disease. Therefore, it has been classified as a Variant of Uncertain Significance.

NM_001077653.2(TBX20):c.1088A>C (p.Gln363Pro)

Gene: TBX20 (T-box transcription factor 20; minus strand). Cytogenetic location: 7p14.2.
Variant type: single nucleotide variant.
Coding change: c.1088A>C on transcript NM_001077653.2 (MANE Select); coding-DNA position 1088, A replaced by C.
Protein change: p.Gln363Pro; replaces glutamine 363 with proline.
Molecular consequence: missense variant.
Genome position (GRCh38, 1-based): chr7:35,202,686, T>G on the plus strand (A>C on the coding strand, the complement: TBX20 is on the minus strand). VCF-style: chr7-35202686-T-G. GRCh37 (hg19) VCF-style: chr7-35242298-T-G.
Other names: short protein forms Q363P.
Identifiers: ClinVar variation 2883321 (VCV002883321.3), dbSNP rs781147575, ClinGen allele CA367263233.